The following is an entry in ClinVar:

NM_001605.3(AARS1):c.1091T>C (p.Leu364Pro)

Gene: AARS1 (alanyl-tRNA synthetase 1; minus strand). Cytogenetic location: 16q22.1.
Variant type: single nucleotide variant.
Coding change: c.1091T>C on transcript NM_001605.3 (MANE Select); coding-DNA position 1091, T replaced by C.
Protein change: p.Leu364Pro; replaces leucine 364 with proline.
Molecular consequence: missense variant.
Genome position (GRCh38, 1-based): chr16:70,267,790, A>G on the plus strand (T>C on the coding strand, the complement: AARS1 is on the minus strand). VCF-style: chr16-70267790-A-G. GRCh37 (hg19) VCF-style: chr16-70301693-A-G.
Other names: short protein forms L364P.
Identifiers: ClinVar variation 1310204 (VCV001310204.2), dbSNP rs2152160262, ClinGen allele CA396563935.

ClinVar aggregate classification (germline): Uncertain significance (1 of 4 stars; one submission).

gnomAD v4.1: 1 of 1,614,180 alleles (0.000062%); highest among the groups gnomAD compares: Non-Finnish European, 0.000085%; no homozygotes.

Submission:

GeneDx
Classification: Uncertain significance. Last evaluated: 2019-11-12. Review status: criteria provided, single submitter. Criteria: GeneDx Variant Classification Process June 2021. Collection method: clinical testing. Allele origin: germline. Affected: yes.
Comment: Not observed in large population cohorts (Lek et al., 2016); In silico analysis, which includes protein predictors and evolutionary conservation, supports a deleterious effect; Has not been previously published as pathogenic or benign to our knowledge